The following is an entry in ClinVar:

ClinVar aggregate classification (germline): Uncertain significance (1 of 4 stars; one submission).

Conditions:
Spastic paraplegia. Identifiers: MedGen C0037772, HP:0001258.

Allele frequency attached by ClinVar (database versions not stated): gnomAD 0.00001; gnomAD exomes 0.00001; ExAC 0.00002; TOPMed 0.00003.
gnomAD v4.1: 13 of 1,613,986 alleles (0.00081%); highest among the groups gnomAD compares: Admixed American, 0.005%; no homozygotes.

Submission:

Labcorp Genetics (formerly Invitae), Labcorp
Classification: Uncertain significance for Spastic paraplegia. Last evaluated: 2022-06-21. Review status: criteria provided, single submitter. Criteria: Invitae Variant Classification Sherloc (09022015). Collection method: clinical testing. Allele origin: germline.
Comment: In summary, the available evidence is currently insufficient to determine the role of this variant in disease. Therefore, it has been classified as a Variant of Uncertain Significance. Advanced modeling of protein sequence and biophysical properties (such as structural, functional, and spatial information, amino acid conservation, physicochemical variation, residue mobility, and thermodynamic stability) performed at Invitae indicates that this missense variant is not expected to disrupt CYP2U1 protein function. This variant has not been reported in the literature in individuals affected with CYP2U1-related conditions. This variant is present in population databases (rs754308246, gnomAD 0.003%). This sequence change replaces methionine, which is neutral and non-polar, with isoleucine, which is neutral and non-polar, at codon 508 of the CYP2U1 protein (p.Met508Ile).

NM_183075.3(CYP2U1):c.1524G>T (p.Met508Ile)

Gene: CYP2U1 (cytochrome P450 family 2 subfamily U member 1; plus strand). Cytogenetic location: 4q25.
Variant type: single nucleotide variant.
Coding change: c.1524G>T on transcript NM_183075.3 (MANE Select); coding-DNA position 1524, G replaced by T.
Protein change: p.Met508Ile; replaces methionine 508 with isoleucine.
Molecular consequence: missense variant.
Genome position (GRCh38, 1-based): chr4:107,950,312, G>T. VCF-style: chr4-107950312-G-T. GRCh37 (hg19) VCF-style: chr4-108871468-G-T.
Other names: short protein forms M508I.
Identifiers: ClinVar variation 2160232 (VCV002160232.4), dbSNP rs754308246, ClinGen allele CA3037221.